The following is an entry in ClinVar:

NM_001164665.2(KIAA1549):c.4686C>A (p.His1562Gln)

Gene: KIAA1549 (KIAA1549; minus strand). Cytogenetic location: 7q34.
Variant type: single nucleotide variant.
Coding change: c.4686C>A on transcript NM_001164665.2 (MANE Select); coding-DNA position 4686, C replaced by A.
Protein change: p.His1562Gln; replaces histidine 1562 with glutamine.
Molecular consequence: missense variant.
Genome position (GRCh38, 1-based): chr7:138,869,627, G>T on the plus strand (C>A on the coding strand, the complement: KIAA1549 is on the minus strand). VCF-style: chr7-138869627-G-T. GRCh37 (hg19) VCF-style: chr7-138554373-G-T.
Other names: c.4686C>A, p.His1562Gln (NM_020910.3); short protein forms H1562Q.
Identifiers: ClinVar variation 691598 (VCV000691598.2), dbSNP rs776206391, ClinGen allele CA4505797.
Genomic context (GRCh38, chr7:138,869,627, plus strand): 5'-CACGCTGGCCGTGGGGTCCAGGATCTTGTCGATCTGCATCTGTGCCCTGCGGTACACCCG[G>T]TGTCGCTCCTTAGTGTCGCCCGAGGACAGGTCGTCTACCACCGGGAACTCGTAGTGCCCG-3'
Protein context (NP_001158137.1, residues 1552-1572): DLSSGDTKER[His1562Gln]RVYRRAQMQI

ClinVar aggregate classification (germline): Uncertain significance. Review status: criteria provided, single submitter (1 of 4 stars). 2 submissions from 2 submitters: Uncertain significance (1). 1 of the submissions does not count toward it. Last evaluated 2025-03-10.

Conditions:
Retinitis pigmentosa 86. Identifiers: MedGen C5231428, MONDO:0032834, OMIM 618613.

Allele frequency attached by ClinVar (database versions not stated): TOPMed below 0.00001.
gnomAD v4.1: 9 of 1,609,066 alleles (0.00056%); highest among the groups gnomAD compares: Non-Finnish European, 0.00076%; no homozygotes.

Submissions (2):

Labcorp Genetics (formerly Invitae), Labcorp
Classification: Uncertain significance. Last evaluated: 2025-03-10. Review status: criteria provided, single submitter. Criteria: Invitae Variant Classification Sherloc (09022015). Collection method: clinical testing. Allele origin: germline.
Comment: This sequence change replaces histidine, which is basic and polar, with glutamine, which is neutral and polar, at codon 1562 of the KIAA1549 protein (p.His1562Gln). The frequency data for this variant in the population databases is considered unreliable, as metrics indicate poor data quality at this position in the gnomAD database. This missense change has been observed in individual(s) with retinitis pigmentosa (PMID: 30120214). ClinVar contains an entry for this variant (Variation ID: 691598). An algorithm developed to predict the effect of missense changes on protein structure and function (PolyPhen-2) suggests that this variant is likely to be disruptive. In summary, the available evidence is currently insufficient to determine the role of this variant in disease. Therefore, it has been classified as a Variant of Uncertain Significance.

OMIM
Classification: Pathogenic for RETINITIS PIGMENTOSA 86. Last evaluated: 2019-10-03. Review status: no assertion criteria provided. Collection method: literature only. Allele origin: germline. Not counted in ClinVar's aggregate classification.

Literature cited by the submitters: PubMed 30120214 (cited by Labcorp Genetics (formerly Invitae), Labcorp and OMIM).